The following is an entry in ClinVar:

NM_001242957.3(MAK):c.1698C>A (p.Tyr566Ter)

Gene: MAK (male germ cell associated kinase; minus strand). Cytogenetic location: 6p24.2.
Variant type: single nucleotide variant.
Coding change: c.1698C>A on transcript NM_001242957.3 (MANE Select); coding-DNA position 1698, C replaced by A.
Protein change: p.Tyr566Ter; replaces tyrosine 566 with a stop codon.
Molecular consequence: nonsense. On other transcripts: non-coding transcript variant (2), intron variant (2).
Genome position (GRCh38, 1-based): chr6:10,770,205, G>T on the plus strand (C>A on the coding strand, the complement: MAK is on the minus strand). VCF-style: chr6-10770205-G-T. GRCh37 (hg19) VCF-style: chr6-10770438-G-T.
Other names: c.1698C>A (NM_001242957.2); c.1623C>A, p.Tyr541Ter (NM_005906.6); c.1495+5123C>A (NM_001377262.1); c.1597+5123C>A (NM_001242385.2); short protein forms Y566*, Y541*.
Identifiers: ClinVar variation 632469 (VCV000632469.16), dbSNP rs186643840, ClinGen allele CA3633368.

ClinVar aggregate classification (germline): Conflicting classifications of pathogenicity. Review status: criteria provided, conflicting classifications (1 of 4 stars). 7 submissions from 7 submitters: Pathogenic (2); Likely pathogenic (3); Uncertain significance (1). 1 of the submissions does not count toward it. Last evaluated 2025-11-13.

Conditions:
Retinitis pigmentosa (RP). Identifiers: Orphanet 791, MedGen C0035334, MeSH D012174, MONDO:0019200, OMIM 268000. Inheritance: Autosomal dominant, autosomal recessive and X linked inheritance.
MAK-related disorder. Also called: MAK-related condition.
Retinitis pigmentosa 62 (RP62). Identifiers: Orphanet 791, MedGen C3280042, MONDO:0013611, OMIM 614181.

Allele frequency attached by ClinVar (database versions not stated): TOPMed below 0.00001; gnomAD 0.00001; ExAC 0.00004; gnomAD exomes 0.00005; 1000 Genomes Project 30x 0.00016; 1000 Genomes Project 0.00020.
gnomAD v4.1: 22 of 1,614,098 alleles (0.0014%); highest among the groups gnomAD compares: East Asian, 0.036%; no homozygotes.

Submissions (7):

Labcorp Genetics (formerly Invitae), Labcorp
Classification: Pathogenic. Last evaluated: 2025-11-13. Review status: criteria provided, single submitter. Criteria: Invitae Variant Classification Sherloc (09022015). Collection method: clinical testing. Allele origin: germline.
Comment: This sequence change creates a premature translational stop signal (p.Tyr566*) in the MAK gene. It is expected to result in an absent or disrupted protein product. Loss-of-function variants in MAK are known to be pathogenic (PMID: 21148103, 21825139, 24938718, 29781741). This variant is present in population databases (rs186643840, gnomAD 0.05%). This variant has not been reported in the literature in individuals affected with MAK-related conditions. ClinVar contains an entry for this variant (Variation ID: 632469). Algorithms developed to predict the effect of sequence changes on RNA splicing suggest that this variant may disrupt the consensus splice site. For these reasons, this variant has been classified as Pathogenic.

3billion
Classification: Pathogenic for Retinitis pigmentosa 62. Last evaluated: 2024-11-18. Review status: criteria provided, single submitter. Criteria: ACMG Guidelines, 2015. Collection method: clinical testing. Allele origin: germline. Affected: yes.
Comment: The variant is observed at an extremely low frequency in the gnomAD v4.1.0 dataset (total allele frequency: 0.001%). Predicted Consequence/Location: Stop-gained (nonsense): predicted to result in a loss or disruption of normal protein function through nonsense-mediated decay (NMD) or protein truncation. Multiple pathogenic variants are reported downstream of the variant. The variant has been reported to be associated with MAK-related disorder (ClinVar ID: VCV000632469). Therefore, this variant is classified as Pathogenic according to the recommendation of ACMG/AMP guideline.

Blueprint Genetics
Classification: Uncertain significance. Last evaluated: 2024-05-02. Review status: criteria provided, single submitter. Criteria: ACMG Guidelines, 2015. Collection method: clinical testing. Allele origin: germline.

Fulgent Genetics
Classification: Likely pathogenic for Retinitis pigmentosa 62. Last evaluated: 2024-02-25. Review status: criteria provided, single submitter. Criteria: ACMG Guidelines, 2015. Collection method: clinical testing. Allele origin: germline.

Women's Health and Genetics/Laboratory Corporation of America, LabCorp
Classification: Likely pathogenic for Retinitis pigmentosa. Last evaluated: 2023-01-06. Review status: criteria provided, single submitter. Criteria: LabCorp Variant Classification Summary - May 2015. Collection method: clinical testing. Allele origin: germline.
Comment: Variant summary: MAK c.1698C>A (p.Tyr566X) results in a premature termination codon, predicted to cause a truncation of the encoded protein or absence of the protein due to nonsense mediated decay, which are commonly known mechanisms for disease. Truncations downstream of this position have been reported in affected individuals (HGMD, LOVD). The variant allele was found at a frequency of 5.2e-05 in 251230 control chromosomes, predominantly at a frequency of 0.0006 within the East Asian subpopulation in the gnomAD database. This frequency is not higher than the estimated maximum expected for a pathogenic variant in MAK causing Retinitis Pigmentosa (0.00063), allowing no conclusion about variant significance. To our knowledge, no occurrence of c.1698C>A in individuals affected with Retinitis Pigmentosa and no experimental evidence demonstrating its impact on protein function have been reported. One submitter has provided a clinical-significance assessment for this variant to ClinVar after 2014, and classified the variant as uncertain significance. Based on the evidence outlined above, the variant was classified as likely pathogenic.

Juno Genomics, Hangzhou Juno Genomics, Inc
Classification: Likely pathogenic for Retinitis pigmentosa 62. Review status: criteria provided, single submitter. Criteria: ACMG Guidelines, 2015. Collection method: clinical testing. Allele origin: germline. Affected: yes.
Comment: Absent from controls (or at extremely low frequency if recessive) in Genome Aggregation Database, Exome Sequencing Project, 1000 Genomes Project, or Exome Aggregation Consortium.;Null variant in a gene where loss of function (LOF) is a known mechanism of disease.

PreventionGenetics, part of Exact Sciences
Classification: Likely pathogenic for MAK-related condition. Last evaluated: 2024-03-25. Review status: no assertion criteria provided. Collection method: clinical testing. Allele origin: germline. Not counted in ClinVar's aggregate classification.
Comment: The MAK c.1698C>A variant is predicted to result in premature protein termination (p.Tyr566*). To our knowledge, this variant has not been reported in the literature. This variant is reported in 0.060% of alleles in individuals of East Asian descent in gnomAD. Nonsense variants in MAK are expected to be pathogenic. Given the evidence, we interpret this variant as likely pathogenic.

Literature cited by the submitters: PubMed 21148103 (cited by Labcorp Genetics (formerly Invitae), Labcorp); PubMed 21825139 (cited by Labcorp Genetics (formerly Invitae), Labcorp); PubMed 24938718 (cited by Labcorp Genetics (formerly Invitae), Labcorp); PubMed 29781741 (cited by Labcorp Genetics (formerly Invitae), Labcorp).